The following is an entry in ClinVar:

ClinVar aggregate classification (germline): Pathogenic/Likely pathogenic. Review status: criteria provided, multiple submitters, no conflicts (2 of 4 stars). 2 submissions from 2 submitters: Pathogenic (1); Likely pathogenic (1). Last evaluated 2026-01-08.

Conditions:
Adams-Oliver syndrome 2 (AOS2). Identifiers: Orphanet 974, MedGen C3280182, MONDO:0013635, OMIM 614219.

Allele frequency attached by ClinVar (database versions not stated): gnomAD exomes below 0.00001; TOPMed below 0.00001; gnomAD 0.00001; ExAC 0.00003.
gnomAD v4.1: 3 of 1,583,958 alleles (0.00019%); highest among the groups gnomAD compares: South Asian, 0.0011%; no homozygotes.

Submissions (2):

GeneDx
Classification: Pathogenic. Last evaluated: 2026-01-08. Review status: criteria provided, single submitter. Criteria: GeneDx Variant Classification Process June 2021. Collection method: clinical testing. Allele origin: germline. Affected: yes.
Comment: Nonsense variant predicted to result in protein truncation or nonsense mediated decay in a gene for which loss of function is a known mechanism of disease; Not observed at significant frequency in large population cohorts (gnomAD); Has not been previously published as pathogenic or benign to our knowledge

Department of Clinical Genetics, Copenhagen University Hospital, Rigshospitalet
Classification: Likely pathogenic for Adams-Oliver syndrome 2. Last evaluated: 2021-08-01. Review status: criteria provided, single submitter. Criteria: ACMG Guidelines, 2015. Collection method: clinical testing. Allele origin: unknown. Affected: yes.

NM_020812.4(DOCK6):c.387C>G (p.Tyr129Ter)

Gene: DOCK6 (dedicator of cytokinesis 6; minus strand). Cytogenetic location: 19p13.2.
Variant type: single nucleotide variant.
Coding change: c.387C>G on transcript NM_020812.4 (MANE Select); coding-DNA position 387, C replaced by G.
Protein change: p.Tyr129Ter; replaces tyrosine 129 with a stop codon.
Molecular consequence: nonsense.
Genome position (GRCh38, 1-based): chr19:11,252,239, G>C on the plus strand (C>G on the coding strand, the complement: DOCK6 is on the minus strand). VCF-style: chr19-11252239-G-C. GRCh37 (hg19) VCF-style: chr19-11362915-G-C.
Other names: c.387C>G, p.Tyr129Ter (NM_001367830.1); short protein forms Y129*.
Identifiers: ClinVar variation 620466 (VCV000620466.5), dbSNP rs752015120, ClinGen allele CA9208505.